The following is an entry in ClinVar:

NM_000051.4(ATM):c.1065+3A>G

Gene: ATM (ATM serine/threonine kinase; plus strand). Cytogenetic location: 11q22.3.
Variant type: single nucleotide variant.
Coding change: c.1065+3A>G on transcript NM_000051.4 (MANE Select); 3 bases into the intron after coding-DNA position 1065, A replaced by G.
Molecular consequence: intron variant.
Genome position (GRCh38, 1-based): chr11:108,247,130, A>G. VCF-style: chr11-108247130-A-G. GRCh37 (hg19) VCF-style: chr11-108117857-A-G.
Other names: c.1065+3A>G (NM_001351834.2).
Identifiers: ClinVar variation 482696 (VCV000482696.11), dbSNP rs1282724169, ClinGen allele CA602132502.

ClinVar aggregate classification (germline): Uncertain significance. Review status: criteria provided, multiple submitters, no conflicts (2 of 4 stars). 2 submissions from 2 submitters: Uncertain significance (2). Last evaluated 2026-02-06.

Conditions:
Ataxia-telangiectasia syndrome (AT). Also called: Ataxia telangiectasia (A-T); LOUIS-BAR SYNDROME; ATAXIA-TELANGIECTASIA, FRESNO VARIANT; Ataxia-telangiectasia; Ataxia-telangiectasia, complementation group E; Ataxia-telangiectasia, complementation group D. Identifiers: Orphanet 100, MedGen C0004135, MONDO:0008840, OMIM 208900.
Hereditary cancer-predisposing syndrome. Also called: Tumor predisposition; Hereditary Cancer Syndrome; Neoplastic Syndromes, Hereditary; Hereditary neoplastic syndrome. Identifiers: Orphanet 140162, MedGen C0027672, MeSH D009386, MONDO:0015356.

Allele frequency attached by ClinVar (database versions not stated): gnomAD exomes below 0.00001.
gnomAD v4.1: 2 of 1,613,624 alleles (0.00012%); highest among the groups gnomAD compares: South Asian, 0.0011%; no homozygotes.

Submissions (2):

Ambry Genetics
Classification: Uncertain significance for Hereditary cancer-predisposing syndrome. Last evaluated: 2026-02-06. Review status: criteria provided, single submitter. Criteria: Ambry Variant Classification Scheme 2023. Collection method: clinical testing. Allele origin: germline.
Comment: The c.1065+3A>G intronic variant results from an A to G substitution 3 nucleotides after coding exon 7 in the ATM gene. This nucleotide position is highly conserved in available vertebrate species. In silico splice site analysis predicts that this alteration may weaken the native splice donor site and may result in the creation or strengthening of a novel splice donor site. Based on the available evidence, the clinical significance of this variant remains unclear.

Labcorp Genetics (formerly Invitae), Labcorp
Classification: Uncertain significance for Ataxia-telangiectasia syndrome. Last evaluated: 2024-03-20. Review status: criteria provided, single submitter. Criteria: Invitae Variant Classification Sherloc (09022015). Collection method: clinical testing. Allele origin: germline.
Comment: This sequence change falls in intron 8 of the ATM gene. It does not directly change the encoded amino acid sequence of the ATM protein. It affects a nucleotide within the consensus splice site. This variant is present in population databases (no rsID available, gnomAD 0.003%). This variant has not been reported in the literature in individuals affected with ATM-related conditions. ClinVar contains an entry for this variant (Variation ID: 482696). Variants that disrupt the consensus splice site are a relatively common cause of aberrant splicing (PMID: 17576681, 9536098). Algorithms developed to predict the effect of sequence changes on RNA splicing suggest that this variant may disrupt the consensus splice site. In summary, the available evidence is currently insufficient to determine the role of this variant in disease. Therefore, it has been classified as a Variant of Uncertain Significance.

Literature cited by the submitters: PubMed 17576681 (cited by Labcorp Genetics (formerly Invitae), Labcorp); PubMed 9536098 (cited by Labcorp Genetics (formerly Invitae), Labcorp).